The following is an entry in ClinVar:

ClinVar aggregate classification (germline): Likely pathogenic (1 of 4 stars; one submission).

Conditions:
Autosomal recessive limb-girdle muscular dystrophy type 2J (LGMDR10). Also called: Limb-girdle muscular dystrophy, type 2J; MUSCULAR DYSTROPHY, LIMB-GIRDLE, AUTOSOMAL RECESSIVE 10. Identifiers: Orphanet 140922, MedGen C1837342, MONDO:0012127, OMIM 608807.
Dilated cardiomyopathy 1G (CMD1G). Identifiers: Orphanet 154, MedGen C1858763, MONDO:0011400, OMIM 604145.

Submission:

Labcorp Genetics (formerly Invitae), Labcorp
Classification: Likely pathogenic for Dilated cardiomyopathy 1G; Autosomal recessive limb-girdle muscular dystrophy type 2J. Last evaluated: 2025-08-10. Review status: criteria provided, single submitter. Criteria: Invitae Variant Classification Sherloc (09022015). Collection method: clinical testing. Allele origin: germline.
Comment: This sequence change creates a premature translational stop signal (p.Lys33414*) in the TTN gene. While this is not anticipated to result in nonsense mediated decay, it is expected to create a truncated TTN protein. This variant is not present in population databases (gnomAD no frequency). This variant has not been reported in the literature in individuals affected with TTN-related conditions. This variant is located in the A band of TTN (PMID: 25589632). Truncating variants in this region are significantly overrepresented in patients affected with dilated cardiomyopathy (PMID: 25589632). Truncating variants in this region have also been reported in individuals affected with autosomal recessive centronuclear myopathy (PMID: 23975875). In summary, the currently available evidence indicates that the variant is pathogenic, but additional data are needed to prove that conclusively. Therefore, this variant has been classified as Likely Pathogenic.

Literature cited by the submitters: PubMed 25589632; PubMed 23975875.

NM_001267550.2(TTN):c.100240A>T (p.Lys33414Ter)

Genes: TTN (titin; minus strand), TTN-AS1 (TTN antisense RNA 1; plus strand), LOC126806420 (BRD4-independent group 4 enhancer GRCh37_chr2:179401104-179402303; plus strand). Cytogenetic location: 2q31.2.
Variant type: single nucleotide variant.
Coding change: c.100240A>T on transcript NM_001267550.2 (MANE Select); coding-DNA position 100240, A replaced by T.
Protein change: p.Lys33414Ter; replaces lysine 33414 with a stop codon.
Molecular consequence: nonsense.
Genome position (GRCh38, 1-based): chr2:178,536,507, T>A on the plus strand (A>T on the coding strand, the complement: TTN is on the minus strand). VCF-style: chr2-178536507-T-A. GRCh37 (hg19) VCF-style: chr2-179401234-T-A.
Other names: c.95317A>T, p.Lys31773Ter (NM_001256850.1); c.73045A>T, p.Lys24349Ter (NM_003319.4); c.92536A>T, p.Lys30846Ter (NM_133378.4); c.73420A>T, p.Lys24474Ter (NM_133432.3); c.73621A>T, p.Lys24541Ter (NM_133437.4); short protein forms K24541*, K30846*, K31773*, K24349*, K33414*, K24474*.
Identifiers: ClinVar variation 4785829 (VCV004785829.1).